The following is an entry in ClinVar:

NM_000069.3(CACNA1S):c.2753T>C (p.Val918Ala)

Gene: CACNA1S (calcium voltage-gated channel subunit alpha1 S; minus strand). Cytogenetic location: 1q32.1.
Variant type: single nucleotide variant.
Coding change: c.2753T>C on transcript NM_000069.3 (MANE Select); coding-DNA position 2753, T replaced by C.
Protein change: p.Val918Ala; replaces valine 918 with alanine.
Molecular consequence: missense variant.
Genome position (GRCh38, 1-based): chr1:201,065,938, A>G on the plus strand (T>C on the coding strand, the complement: CACNA1S is on the minus strand). VCF-style: chr1-201065938-A-G. GRCh37 (hg19) VCF-style: chr1-201035066-A-G.
Other names: short protein forms V918A.
Identifiers: ClinVar variation 578720 (VCV000578720.10), dbSNP rs1558065055, ClinGen allele CA344101903.

ClinVar aggregate classification (germline): Uncertain significance. Review status: criteria provided, multiple submitters, no conflicts (2 of 4 stars). 2 submissions from 2 submitters: Uncertain significance (2). Last evaluated 2025-09-01.

Conditions:
Hypokalemic periodic paralysis, type 1. Also called: Hypokalemic Periodic Paralysis Type 1 (AD); HypoPP. Identifiers: Orphanet 681, MedGen C3714580, MONDO:0042979, OMIM 170400.
Malignant hyperthermia, susceptibility to, 5 (MHS5). Also called: CACNA1S-Related Malignant Hyperthermia Susceptibility. Identifiers: Orphanet 423, MedGen C1866077, MONDO:0011163, OMIM 601887.

Allele frequency attached by ClinVar (database versions not stated): gnomAD exomes below 0.00001.
gnomAD v4.1: 1 of 1,610,028 alleles (0.000062%); highest among the groups gnomAD compares: Non-Finnish European, 0.000085%; no homozygotes.

Submissions (2):

Color Diagnostics, LLC DBA Color Health
Classification: Uncertain significance for Malignant hyperthermia, susceptibility to, 5. Last evaluated: 2025-09-01. Review status: criteria provided, single submitter. Criteria: ACMG Guidelines, 2015. Collection method: clinical testing. Allele origin: germline.
Comment: This missense variant replaces valine with alanine at codon 918 of the CACNA1S protein. Computational prediction suggests that this variant may have deleterious impact on protein structure and function. To our knowledge, functional studies have not been reported for this variant. This variant has not been reported in individuals affected with CACNA1S-related disorders in the literature. This variant has not been identified in the general population by the Genome Aggregation Database (gnomAD). The available evidence is insufficient to determine the role of this variant in disease conclusively. Therefore, this variant is classified as a Variant of Uncertain Significance.

Labcorp Genetics (formerly Invitae), Labcorp
Classification: Uncertain significance for Hypokalemic periodic paralysis, type 1; Malignant hyperthermia, susceptibility to, 5. Last evaluated: 2022-04-13. Review status: criteria provided, single submitter. Criteria: Invitae Variant Classification Sherloc (09022015). Collection method: clinical testing. Allele origin: germline.
Comment: ClinVar contains an entry for this variant (Variation ID: 578720). This variant has not been reported in the literature in individuals affected with CACNA1S-related conditions. This variant is not present in population databases (gnomAD no frequency). This sequence change replaces valine, which is neutral and non-polar, with alanine, which is neutral and non-polar, at codon 918 of the CACNA1S protein (p.Val918Ala). Algorithms developed to predict the effect of missense changes on protein structure and function are either unavailable or do not agree on the potential impact of this missense change (SIFT: "Deleterious"; PolyPhen-2: "Benign"; Align-GVGD: "Class C0"). In summary, the available evidence is currently insufficient to determine the role of this variant in disease. Therefore, it has been classified as a Variant of Uncertain Significance.